The following is an entry in ClinVar:

NM_005026.5(PIK3CD):c.41A>C (p.Lys14Thr)

Gene: PIK3CD (phosphatidylinositol-4,5-bisphosphate 3-kinase catalytic subunit delta; plus strand). Cytogenetic location: 1p36.22.
Variant type: single nucleotide variant.
Coding change: c.41A>C on transcript NM_005026.5 (MANE Select); coding-DNA position 41, A replaced by C.
Protein change: p.Lys14Thr; replaces lysine 14 with threonine.
Molecular consequence: missense variant.
Genome position (GRCh38, 1-based): chr1:9,710,496, A>C. VCF-style: chr1-9710496-A-C. GRCh37 (hg19) VCF-style: chr1-9770554-A-C.
Other names: c.41A>C, p.Lys14Thr (NM_001350234.2, NM_001350235.1); short protein forms K14T.
Identifiers: ClinVar variation 966147 (VCV000966147.10), dbSNP rs1647002482, ClinGen allele CA338299437.

ClinVar aggregate classification (germline): Uncertain significance (1 of 4 stars; one submission).

Conditions:
Immunodeficiency 14 (IMD14A). Also called: ACTIVATED PI3K-DELTA SYNDROME 1; IMMUNODEFICIENCY 14A WITH LYMPHOPROLIFERATION, AUTOSOMAL DOMINANT; Activated PI3K Delta Syndrome Type 1 (APDS1); p110-DELTA-ACTIVATING MUTATION CAUSING SENESCENT T CELLS, LYMPHADENOPATHY, AND IMMUNODEFICIENCY. Identifiers: Orphanet 397596, Orphanet 693661, MedGen C5907821, MONDO:0014222, OMIM 615513.

Submission:

Labcorp Genetics (formerly Invitae), Labcorp
Classification: Uncertain significance for Activated PI3K-delta syndrome. Last evaluated: 2024-12-09. Review status: criteria provided, single submitter. Criteria: Invitae Variant Classification Sherloc (09022015). Collection method: clinical testing. Allele origin: germline.
Comment: This sequence change replaces lysine, which is basic and polar, with threonine, which is neutral and polar, at codon 14 of the PIK3CD protein (p.Lys14Thr). This variant is not present in population databases (gnomAD no frequency). This variant has not been reported in the literature in individuals affected with PIK3CD-related conditions. ClinVar contains an entry for this variant (Variation ID: 966147). An algorithm developed to predict the effect of missense changes on protein structure and function (PolyPhen-2) suggests that this variant is likely to be tolerated. In summary, the available evidence is currently insufficient to determine the role of this variant in disease. Therefore, it has been classified as a Variant of Uncertain Significance.